The following is an entry in ClinVar:

NM_002230.4(JUP):c.545C>A (p.Ser182Ter)

Gene: JUP (junction plakoglobin; minus strand). Cytogenetic location: 17q21.2.
Variant type: single nucleotide variant.
Coding change: c.545C>A on transcript NM_002230.4 (MANE Select); coding-DNA position 545, C replaced by A.
Protein change: p.Ser182Ter; replaces serine 182 with a stop codon.
Molecular consequence: nonsense.
Genome position (GRCh38, 1-based): chr17:41,769,131, G>T on the plus strand (C>A on the coding strand, the complement: JUP is on the minus strand). VCF-style: chr17-41769131-G-T. GRCh37 (hg19) VCF-style: chr17-39925383-G-T.
Other names: c.545C>A, p.Ser182Ter (NM_001352773.2, NM_001352774.2, NM_001352775.2 and 3 more transcripts); short protein forms S182*.
Identifiers: ClinVar variation 857898 (VCV000857898.7), dbSNP rs145592971, ClinGen allele CA399503302.
Genomic context (GRCh38, chr17:41,769,131, plus strand): 5'-GCTGTGTCCAGGTCGCTGGTATTCTGCATGGTACGCACGACAGCGGCCACCAGCTGGGGC[G>T]AGCCCATCAGGGCCCGCCGCGACGCCTCCTTCTTCGACAGCTGGTTCACAATCATGGCCG-3'

ClinVar aggregate classification (germline): Pathogenic (1 of 4 stars; one submission).

Conditions:
Arrhythmogenic right ventricular dysplasia 12. Also called: ARRHYTHMOGENIC RIGHT VENTRICULAR DYSPLASIA, FAMILIAL, 12. Identifiers: MedGen C1969081, MONDO:0012684, OMIM 611528.
Naxos disease (NXD). Also called: KERATOSIS PALMOPLANTARIS WITH ARRHYTHMOGENIC CARDIOMYOPATHY; MAL DE NAXOS; PALMOPLANTAR KERATODERMA WITH ARRHYTHMOGENIC RIGHT VENTRICULAR CARDIOMYOPATHY AND WOOLLY HAIR; CARDIOMYOPATHY, ARRHYTHMOGENIC RIGHT VENTRICULAR, WITH SKIN, HAIR, AND NAIL ABNORMALITIES; WOOLLY HAIR, PALMOPLANTAR KERATODERMA, AND CARDIAC ABNORMALITIES. Identifiers: Orphanet 34217, MedGen C1832600, MONDO:0011017, OMIM 601214.

Allele frequency attached by ClinVar (database versions not stated): TOPMed 0.00001.
gnomAD v4.1: 2 of 1,609,606 alleles (0.00012%); highest among the groups gnomAD compares: Non-Finnish European, 0.00017%; no homozygotes.

Submission:

Labcorp Genetics (formerly Invitae), Labcorp
Classification: Pathogenic for Arrhythmogenic right ventricular dysplasia 12; Naxos disease. Last evaluated: 2025-09-24. Review status: criteria provided, single submitter. Criteria: Invitae Variant Classification Sherloc (09022015). Collection method: clinical testing. Allele origin: germline.
Comment: This sequence change creates a premature translational stop signal (p.Ser182*) in the JUP gene. It is expected to result in an absent or disrupted protein product. Loss-of-function variants in JUP are known to be pathogenic (PMID: 10902626). This variant is not present in population databases (gnomAD no frequency). This variant has not been reported in the literature in individuals affected with JUP-related conditions. ClinVar contains an entry for this variant (Variation ID: 857898). For these reasons, this variant has been classified as Pathogenic.

Literature cited by the submitters: PubMed 10902626.